The following is an entry in ClinVar:

ClinVar aggregate classification (germline): Pathogenic (1 of 4 stars; one submission).

Conditions:
Hereditary cancer-predisposing syndrome. Also called: Hereditary Cancer Syndrome; Neoplastic Syndromes, Hereditary; Hereditary neoplastic syndrome; Tumor predisposition. Identifiers: Orphanet 140162, MedGen C0027672, MeSH D009386, MONDO:0015356.

Submission:

Ambry Genetics
Classification: Pathogenic for Hereditary cancer-predisposing syndrome. Last evaluated: 2016-07-01. Review status: criteria provided, single submitter. Criteria: Ambry Variant Classification Scheme 2023. Collection method: clinical testing. Allele origin: germline.
Comment: The p.E251* pathogenic mutation (also known as c.751G>T), located in coding exon 7 of the TSC2 gene, results from a G to T substitution at nucleotide position 751. This changes the amino acid from a glutamic acid to a stop codon within coding exon 7. Since premature stop codons are typically deleterious in nature, this alteration is interpreted as a disease-causing mutation (ACMG Recommendations for Standards for Interpretation and Reporting of Sequence Variations. Revision 2007. Genet Med. 2008;10:294).

NM_000548.5(TSC2):c.751G>T (p.Glu251Ter)

Gene: TSC2 (TSC complex subunit 2; plus strand). Cytogenetic location: 16p13.3.
Variant type: single nucleotide variant.
Coding change: c.751G>T on transcript NM_000548.5 (MANE Select); coding-DNA position 751, G replaced by T.
Protein change: p.Glu251Ter; replaces glutamic acid 251 with a stop codon.
Molecular consequence: nonsense.
Genome position (GRCh38, 1-based): chr16:2,056,746, G>T. VCF-style: chr16-2056746-G-T. GRCh37 (hg19) VCF-style: chr16-2106747-G-T.
Other names: c.751G>T, p.Glu251Ter (NM_001077183.3, NM_001114382.3, NM_001363528.2 and 3 more transcripts); c.640G>T, p.Glu214Ter (NM_001318827.2); c.604G>T, p.Glu202Ter (NM_001318829.2); c.151G>T, p.Glu51Ter (NM_001318831.2); c.784G>T, p.Glu262Ter (NM_001318832.2); short protein forms E251*, E214*, E262*, E51*, E202*.
Identifiers: ClinVar variation 427994 (VCV000427994.5), dbSNP rs1114167465, ClinGen allele CA394312781.